The following is an entry in ClinVar:

NM_025074.7(FRAS1):c.10530C>T (p.Leu3510=)

Gene: FRAS1 (Fraser extracellular matrix complex subunit 1; plus strand). Cytogenetic location: 4q21.21.
Variant type: single nucleotide variant.
Coding change: c.10530C>T on transcript NM_025074.7 (MANE Select); coding-DNA position 10530, C replaced by T.
Protein change: p.Leu3510=; no amino-acid change (leucine 3510 retained).
Molecular consequence: synonymous variant.
Genome position (GRCh38, 1-based): chr4:78,519,471, C>T. VCF-style: chr4-78519471-C-T. GRCh37 (hg19) VCF-style: chr4-79440625-C-T.
Identifiers: ClinVar variation 742035 (VCV000742035.8), dbSNP rs768796978, ClinGen allele CA2978983.

ClinVar aggregate classification (germline): Conflicting classifications of pathogenicity. Review status: criteria provided, conflicting classifications (1 of 4 stars). 2 submissions from 2 submitters: Uncertain significance (1); Likely benign (1). Last evaluated 2026-04-10.

Allele frequency attached by ClinVar (database versions not stated): gnomAD 0.00001; gnomAD exomes 0.00004 and 0.00009; TOPMed 0.00004; ExAC 0.00007.
gnomAD v4.1: 26 of 1,610,010 alleles (0.0016%); highest among the groups gnomAD compares: Admixed American, 0.042%; no homozygotes.

Submissions (2):

Greenwood Genetic Center Diagnostic Laboratories, Greenwood Genetic Center
Classification: Uncertain significance. Last evaluated: 2026-04-10. Review status: criteria provided, single submitter. Criteria: ACMG Guidelines, 2015. Collection method: clinical testing. Allele origin: germline.
Comment: PM2, BP4

Labcorp Genetics (formerly Invitae), Labcorp
Classification: Likely benign. Last evaluated: 2025-12-03. Review status: criteria provided, single submitter. Criteria: Invitae Variant Classification Sherloc (09022015). Collection method: clinical testing. Allele origin: germline.